The following is an entry in ClinVar:

ClinVar aggregate classification (germline): Uncertain significance (1 of 4 stars; one submission).

Conditions:
Duchenne muscular dystrophy (DMD). Also called: MUSCULAR DYSTROPHY, PSEUDOHYPERTROPHIC PROGRESSIVE, DUCHENNE TYPE; Duchenne Muscular Dystrophy (DMD). Identifiers: Orphanet 98896, MedGen C0013264, MONDO:0010679, OMIM 310200.

Allele frequency attached by ClinVar (database versions not stated): TOPMed 0.00001.
gnomAD v4.1: 1 of 1,207,443 alleles (0.000083%); highest among the groups gnomAD compares: Non-Finnish European, 0.00011%; no homozygotes.

Submission:

Labcorp Genetics (formerly Invitae), Labcorp
Classification: Uncertain significance for Duchenne muscular dystrophy. Last evaluated: 2022-03-08. Review status: criteria provided, single submitter. Criteria: Invitae Variant Classification Sherloc (09022015). Collection method: clinical testing. Allele origin: germline.
Comment: This sequence change replaces asparagine, which is neutral and polar, with lysine, which is basic and polar, at codon 86 of the DMD protein (p.Asn86Lys). This variant is not present in population databases (gnomAD no frequency). This variant has not been reported in the literature in individuals affected with DMD-related conditions. Algorithms developed to predict the effect of missense changes on protein structure and function output the following: SIFT: "Tolerated"; PolyPhen-2: "Benign"; Align-GVGD: "Class C0". The lysine amino acid residue is found in multiple mammalian species, which suggests that this missense change does not adversely affect protein function. In summary, the available evidence is currently insufficient to determine the role of this variant in disease. Therefore, it has been classified as a Variant of Uncertain Significance.

NM_004006.3(DMD):c.258C>A (p.Asn86Lys)

Gene: DMD (dystrophin; minus strand). Cytogenetic location: Xp21.1.
Variant type: single nucleotide variant.
Coding change: c.258C>A on transcript NM_004006.3 (MANE Select); coding-DNA position 258, C replaced by A.
Protein change: p.Asn86Lys; replaces asparagine 86 with lysine.
Molecular consequence: missense variant. On other transcripts: 5 prime UTR variant (1).
Genome position (GRCh38, 1-based): chrX:32,844,789, G>T on the plus strand (C>A on the coding strand, the complement: DMD is on the minus strand). VCF-style: chrX-32844789-G-T. GRCh37 (hg19) VCF-style: chrX-32862906-G-T.
Other names: c.234C>A, p.Asn78Lys (NM_000109.4); c.246C>A, p.Asn82Lys (NM_004009.3); c.-112C>A (NM_004010.3); short protein forms N82K, N78K, N86K.
Identifiers: ClinVar variation 1897711 (VCV001897711.2), dbSNP rs1368237586, ClinGen allele CA412674643.